The following is an entry in ClinVar:

NM_002474.3(MYH11):c.3619G>A (p.Glu1207Lys)

Gene: MYH11 (myosin heavy chain 11; minus strand). Cytogenetic location: 16p13.11.
Variant type: single nucleotide variant.
Coding change: c.3619G>A on transcript NM_002474.3 (MANE Select); coding-DNA position 3619, G replaced by A.
Protein change: p.Glu1207Lys; replaces glutamic acid 1207 with lysine.
Molecular consequence: missense variant.
Genome position (GRCh38, 1-based): chr16:15,732,596, C>T on the plus strand (G>A on the coding strand, the complement: MYH11 is on the minus strand). VCF-style: chr16-15732596-C-T. GRCh37 (hg19) VCF-style: chr16-15826453-C-T.
Other names: c.3640G>A, p.Glu1214Lys (NM_001040113.2, NM_001040114.2); c.3619G>A, p.Glu1207Lys (NM_022844.3); short protein forms E1207K, E1214K.
Identifiers: ClinVar variation 263772 (VCV000263772.19), dbSNP rs371831822, ClinGen allele CA7921948.
Genomic context (GRCh38, chr16:15,732,596, plus strand): 5'-ACCAAAAAGCATCACCAAAAAGCATTACCCTCTTGAACTGCTCAAGCTGCTCTGTGAGCT[C>T]CTCCACCGCCTGTGCGTGTTTCTGCCTCATCTCCTGGACCTGAGCCTCATGGGACCGCGT-3'
Protein context (NP_002465.1, residues 1197-1217): MRQKHAQAVE[Glu1207Lys]LTEQLEQFKR

ClinVar aggregate classification (germline): Uncertain significance. Review status: criteria provided, multiple submitters, no conflicts (2 of 4 stars). 7 submissions from 7 submitters: Uncertain significance (7). Last evaluated 2025-01-27.

Conditions:
Cardiovascular phenotype. Identifiers: MedGen CN230736.
Familial thoracic aortic aneurysm and aortic dissection (TAAD). Also called: Thoracic aortic aneurysms and dissections. Identifiers: Orphanet 91387, MedGen C4707243, MONDO:0019625.
Aortic aneurysm, familial thoracic 4 (AAT4). Also called: AORTIC ANEURYSM/AORTIC DISSECTION AND PATENT DUCTUS ARTERIOSUS. Identifiers: MedGen C1851504, MONDO:0007568, OMIM 132900.

Allele frequency attached by ClinVar (database versions not stated): ExAC 0.00002; gnomAD 0.00001; gnomAD exomes 0.00001 and 0.00007; TOPMed 0.00002; ESP Exome Variant Server 0.00008.
gnomAD v4.1: 101 of 1,614,124 alleles (0.0063%); highest among the groups gnomAD compares: Non-Finnish European, 0.0082%; no homozygotes.

Submissions (7):

Labcorp Genetics (formerly Invitae), Labcorp
Classification: Uncertain significance for Aortic aneurysm, familial thoracic 4. Last evaluated: 2025-01-27. Review status: criteria provided, single submitter. Criteria: Invitae Variant Classification Sherloc (09022015). Collection method: clinical testing. Allele origin: germline.
Comment: This sequence change replaces glutamic acid, which is acidic and polar, with lysine, which is basic and polar, at codon 1214 of the MYH11 protein (p.Glu1214Lys). This variant is present in population databases (rs371831822, gnomAD 0.003%). This variant has not been reported in the literature in individuals affected with MYH11-related conditions. ClinVar contains an entry for this variant (Variation ID: 263772). Invitae Evidence Modeling of protein sequence and biophysical properties (such as structural, functional, and spatial information, amino acid conservation, physicochemical variation, residue mobility, and thermodynamic stability) indicates that this missense variant is not expected to disrupt MYH11 protein function with a negative predictive value of 95%. In summary, the available evidence is currently insufficient to determine the role of this variant in disease. Therefore, it has been classified as a Variant of Uncertain Significance.

All of Us Research Program, National Institutes of Health
Classification: Uncertain significance for Familial thoracic aortic aneurysm and aortic dissection. Last evaluated: 2024-08-13. Review status: criteria provided, single submitter. Criteria: ACMG Guidelines, 2015. Collection method: clinical testing. Allele origin: germline. Inheritance: Autosomal dominant inheritance. Observed: 7 variant alleles, 7 heterozygotes.
Comment: This missense variant replaces glutamic acid with lysine at codon 1214 of the MYH11 protein. Computational prediction suggests that this variant may have a deleterious impact on protein structure and function (internally defined REVEL score threshold >= 0.7, PMID: 27666373). To our knowledge, functional studies have not been reported for this variant. This variant has not been reported in individuals affected with cardiovascular disorders in the literature. This variant has been identified in 3/251464 chromosomes in the general population by the Genome Aggregation Database (gnomAD). The available evidence is insufficient to determine the role of this variant in disease conclusively. Therefore, this variant is classified as a Variant of Uncertain Significance.

This study involves interpretation of variants in research participants for the purpose of population health screening. Participant phenotype was not available at the time of variant classification. Additional details can be found in publication PMID: 35346344, PMCID: PMC8962531

GeneDx
Classification: Uncertain significance. Last evaluated: 2024-08-02. Review status: criteria provided, single submitter. Criteria: GeneDx Variant Classification Process June 2021. Collection method: clinical testing. Allele origin: germline. Affected: yes.
Comment: Not observed at significant frequency in large population cohorts (gnomAD); In silico analysis indicates that this missense variant does not alter protein structure/function; Has not been previously published as pathogenic or benign to our knowledge

Color Diagnostics, LLC DBA Color Health
Classification: Uncertain significance for Familial thoracic aortic aneurysm and aortic dissection. Last evaluated: 2024-07-26. Review status: criteria provided, single submitter. Criteria: ACMG Guidelines, 2015. Collection method: clinical testing. Allele origin: germline.
Comment: This missense variant replaces glutamic acid with lysine at codon 1214 of the MYH11 protein. Computational prediction tools indicate that this variant has a deleterious impact on protein structure and function. To our knowledge, functional studies have not been reported for this variant. This variant has not been reported in individuals affected with MYH11-related disorders in the literature. This variant has been identified in 3/251464 chromosomes in the general population by the Genome Aggregation Database (gnomAD). The available evidence is insufficient to determine the role of this variant in disease conclusively. Therefore, this variant is classified as a Variant of Uncertain Significance.

ARUP Laboratories, Molecular Genetics and Genomics, ARUP Laboratories
Classification: Uncertain significance. Last evaluated: 2023-11-07. Review status: criteria provided, single submitter. Criteria: ARUP Molecular Germline Variant Investigation Process 2024. Collection method: clinical testing. Allele origin: germline.
Comment: The MYH11 c.3619G>A; p.Glu1207Lys variant (rs371831822), to our knowledge, is not reported in the medical literature but is reported in ClinVar (Variation ID: 263772). This variant is found in the general population with an overall allele frequency of 0.003% (3/113,740 alleles) in the Genome Aggregation Database. Computational analyses predict that this variant is deleterious (REVEL: 0.88). However, given the lack of clinical and functional data, the significance of this variant is uncertain at this time.

AiLife Diagnostics
Classification: Uncertain significance. Last evaluated: 2021-07-28. Review status: criteria provided, single submitter. Criteria: ACMG Guidelines, 2015. Collection method: clinical testing. Allele origin: germline. Affected: yes. Observed: 1 variant allele.

Ambry Genetics
Classification: Uncertain significance for Cardiovascular phenotype. Last evaluated: 2013-09-16. Review status: criteria provided, single submitter. Criteria: Ambry Autosomal Dominant and X-Linked criteria (10/2015). Collection method: clinical testing. Allele origin: germline. Observed: 1 variant allele.
Comment: The p.E1207K variant (also known as c.3619G>A) is located in coding exon 26 of the MYH11 gene. This alteration results from a G to A substitution at nucleotide position 3619. The glutamic acid at codon 1207 is replaced by lysine, an amino acid with some similar properties. Based on data from the NHLBI Exome Sequencing Project (ESP), the A-allele has an overall frequency of approximately 0.01% (1/12,994), having been observed in 0.01% (1/8600) of European American alleles and in none of 4394 African American alleles. Based on protein sequence alignment, this amino acid position is highly conserved in available vertebrate species. In addition, this alteration is predicted to be possibly damaging by PolyPhen but tolerated by SIFT in silico analyses. Since supporting evidence is limited at this time, the clinical significance of this variant remains unclear.